The following is an entry in ClinVar:

NM_001385641.1(SAMD11):c.1288C>T (p.Arg430Cys)

Gene: SAMD11 (sterile alpha motif domain containing 11; plus strand). Cytogenetic location: 1p36.33.
Variant type: single nucleotide variant.
Coding change: c.1288C>T on transcript NM_001385641.1 (MANE Select); coding-DNA position 1288, C replaced by T.
Protein change: p.Arg430Cys; replaces arginine 430 with cysteine.
Molecular consequence: missense variant.
Genome position (GRCh38, 1-based): chr1:941,236, C>T. VCF-style: chr1-941236-C-T. GRCh37 (hg19) VCF-style: chr1-876616-C-T.
Other names: c.1291C>T, p.Arg431Cys (NM_001385640.1); c.799C>T, p.Arg267Cys (NM_152486.4); short protein forms R267C, R430C, R431C.
Identifiers: ClinVar variation 854165 (VCV000854165.9), dbSNP rs1641746770, ClinGen allele CA337803621.
Genomic context (GRCh38, chr1:941,236, plus strand): 5'-GCAGCTCTGAGGGGCCCCAGTGGCCTGGAAGCCCACCTGCCCTCCTCCACGGCAGGTCAG[C>T]GTCGGAAGCAGGGCCTGGCTCAGCACCGGGAGGGCGCCGCCCCAGCTGCCGCCCCGTCCT-3'
Protein context (NP_001372570.1, residues 420-440): AHLPSSTAGQ[Arg430Cys]RKQGLAQHRE

ClinVar aggregate classification (germline): Uncertain significance (1 of 4 stars; one submission).

Submission:

Labcorp Genetics (formerly Invitae), Labcorp
Classification: Uncertain significance. Last evaluated: 2020-02-23. Review status: criteria provided, single submitter. Criteria: Invitae Variant Classification Sherloc (09022015). Collection method: clinical testing. Allele origin: germline.
Comment: In summary, the available evidence is currently insufficient to determine the role of this variant in disease. Therefore, it has been classified as a Variant of Uncertain Significance. Algorithms developed to predict the effect of missense changes on protein structure and function are either unavailable or do not agree on the potential impact of this missense change (SIFT: "Deleterious"; PolyPhen-2: "Probably Damaging"; Align-GVGD: "Class C0"). This variant has not been reported in the literature in individuals with SAMD11-related conditions. This variant is not present in population databases (ExAC no frequency). This sequence change replaces arginine with cysteine at codon 267 of the SAMD11 protein (p.Arg267Cys). The arginine residue is highly conserved and there is a large physicochemical difference between arginine and cysteine.